The following is an entry in ClinVar:

ClinVar aggregate classification (germline): Conflicting classifications of pathogenicity. Review status: criteria provided, conflicting classifications (1 of 4 stars). 2 submissions from 2 submitters: Uncertain significance (1); Likely benign (1). Last evaluated 2025-01-29.

Conditions:
Hereditary cancer-predisposing syndrome. Also called: Tumor predisposition; Neoplastic Syndromes, Hereditary; Hereditary Cancer Syndrome; Hereditary neoplastic syndrome. Identifiers: Orphanet 140162, MedGen C0027672, MeSH D009386, MONDO:0015356.
Hereditary diffuse gastric adenocarcinoma (HDGC). Also called: DIFFUSE GASTRIC AND LOBULAR BREAST CANCER SYNDROME. Identifiers: Orphanet 26106, MedGen C1708349, MONDO:0007648, OMIM 137215.

Allele frequency attached by ClinVar (database versions not stated): gnomAD exomes below 0.00001.
gnomAD v4.1: 1 of 1,614,204 alleles (0.000062%); highest among the groups gnomAD compares: South Asian, 0.0011%; no homozygotes.

Submissions (2):

Labcorp Genetics (formerly Invitae), Labcorp
Classification: Uncertain significance for Hereditary diffuse gastric adenocarcinoma. Last evaluated: 2025-01-29. Review status: criteria provided, single submitter. Criteria: Invitae Variant Classification Sherloc (09022015). Collection method: clinical testing. Allele origin: germline.
Comment: This sequence change replaces leucine, which is neutral and non-polar, with phenylalanine, which is neutral and non-polar, at codon 350 of the CDH1 protein (p.Leu350Phe). This variant is present in population databases (no rsID available, gnomAD 0.003%). This variant has not been reported in the literature in individuals affected with CDH1-related conditions. ClinVar contains an entry for this variant (Variation ID: 1776085). An algorithm developed to predict the effect of missense changes on protein structure and function (PolyPhen-2) suggests that this variant is likely to be disruptive. In summary, the available evidence is currently insufficient to determine the role of this variant in disease. Therefore, it has been classified as a Variant of Uncertain Significance.

Ambry Genetics
Classification: Likely benign for Hereditary cancer-predisposing syndrome. Last evaluated: 2024-12-31. Review status: criteria provided, single submitter. Criteria: Ambry Variant Classification Scheme 2023. Collection method: clinical testing. Allele origin: germline.

NM_004360.5(CDH1):c.1048C>T (p.Leu350Phe)

Gene: CDH1 (cadherin 1; plus strand). Cytogenetic location: 16q22.1.
Variant type: single nucleotide variant.
Coding change: c.1048C>T on transcript NM_004360.5 (MANE Select); coding-DNA position 1048, C replaced by T.
Protein change: p.Leu350Phe; replaces leucine 350 with phenylalanine.
Molecular consequence: missense variant. On other transcripts: 5 prime UTR variant (2).
Genome position (GRCh38, 1-based): chr16:68,812,174, C>T. VCF-style: chr16-68812174-C-T. GRCh37 (hg19) VCF-style: chr16-68846077-C-T.
Other names: c.1048C>T, p.Leu350Phe (NM_001317184.2); c.-568C>T (NM_001317185.2); c.-772C>T (NM_001317186.2); short protein forms L350F.
Identifiers: ClinVar variation 1776085 (VCV001776085.5), dbSNP rs1273267349, ClinGen allele CA396459994.
Genomic context (GRCh38, chr16:68,812,174, plus strand): 5'-GTTGTGTCGATCTCTCTGCAGAGTTTCCCTACGTATACCCTGGTGGTTCAAGCTGCTGAC[C>T]TTCAAGGTGAGGGGTTAAGCACAACAGCAACAGCTGTGATCACAGTCACTGACACCAACG-3'
Protein context (NP_004351.1, residues 340-360): TYTLVVQAAD[Leu350Phe]QGEGLSTTAT